The following is an entry in ClinVar:

ClinVar aggregate classification (germline): Uncertain significance (1 of 4 stars; one submission).

Conditions:
PROK2-related disorder. Also called: PROK2-related condition.

gnomAD v4.1: 13 of 1,612,782 alleles (0.00081%); highest among the groups gnomAD compares: Non-Finnish European, 0.0011%; no homozygotes.

Submission:

PreventionGenetics, part of Exact Sciences
Classification: Uncertain significance for PROK2-related condition. Last evaluated: 2025-10-13. Review status: criteria provided, single submitter. Criteria: ACMG Guidelines, 2015. Collection method: clinical testing. Allele origin: germline.
Comment: The PROK2 c.150C>G variant is predicted to result in the amino acid substitution p.Ile50Met. This variant was reported in an individual with Kallmann syndrome (Cole et al. 2008. PubMed ID: 18559922). This variant is reported in 0.0018% of alleles in individuals of European (Non-Finnish) descent in gnomAD. At this time, the clinical significance of this variant is uncertain due to the absence of conclusive functional and genetic evidence.

NM_001126128.2(PROK2):c.150C>G (p.Ile50Met)

Gene: PROK2 (prokineticin 2; minus strand). Cytogenetic location: 3p13.
Variant type: single nucleotide variant.
Coding change: c.150C>G on transcript NM_001126128.2 (MANE Select); coding-DNA position 150, C replaced by G.
Protein change: p.Ile50Met; replaces isoleucine 50 with methionine.
Molecular consequence: missense variant.
Genome position (GRCh38, 1-based): chr3:71,781,539, G>C on the plus strand (C>G on the coding strand, the complement: PROK2 is on the minus strand). VCF-style: chr3-71781539-G-C. GRCh37 (hg19) VCF-style: chr3-71830690-G-C.
Other names: c.150C>G, p.Ile50Met (NM_021935.4); short protein forms I50M.
Identifiers: ClinVar variation 4984429 (VCV004984429.1).
Genomic context (GRCh38, chr3:71,781,539, plus strand): 5'-TGGATGGCAGCTGTCTCCCAGTTTGCCCATAGGTGTGCAAATCCTTATGCTCTTGACCCA[G>C]ATACTGACAGCACAGCACATGCCTCCACCACATTGGGAGTCCTTGTCACAAGCCTGAAAT-3'
Protein context (NP_001119600.1, residues 40-60): CGGGMCCAVS[Ile50Met]WVKSIRICTP